The following is an entry in ClinVar:

ClinVar aggregate classification (germline): Uncertain significance (1 of 4 stars; one submission).

Conditions:
Hereditary cancer-predisposing syndrome. Also called: Tumor predisposition; Hereditary Cancer Syndrome; Hereditary neoplastic syndrome; Neoplastic Syndromes, Hereditary. Identifiers: Orphanet 140162, MedGen C0027672, MeSH D009386, MONDO:0015356.

Submission:

Ambry Genetics
Classification: Uncertain significance for Hereditary cancer-predisposing syndrome. Last evaluated: 2023-06-24. Review status: criteria provided, single submitter. Criteria: Ambry Variant Classification Scheme 2023. Collection method: clinical testing. Allele origin: germline.
Comment: The p.I887M variant (also known as c.2661C>G), located in coding exon 7 of the PALB2 gene, results from a C to G substitution at nucleotide position 2661. The isoleucine at codon 887 is replaced by methionine, an amino acid with highly similar properties. This amino acid position is conserved. In addition, this alteration is predicted to be tolerated by in silico analysis. Since supporting evidence is limited at this time, the clinical significance of this alteration remains unclear.

NM_024675.4(PALB2):c.2661C>G (p.Ile887Met)

Gene: PALB2 (partner and localizer of BRCA2; minus strand). Cytogenetic location: 16p12.2.
Variant type: single nucleotide variant.
Coding change: c.2661C>G on transcript NM_024675.4 (MANE Select); coding-DNA position 2661, C replaced by G.
Protein change: p.Ile887Met; replaces isoleucine 887 with methionine.
Molecular consequence: missense variant. On other transcripts: intron variant (3).
Genome position (GRCh38, 1-based): chr16:23,626,323, G>C on the plus strand (C>G on the coding strand, the complement: PALB2 is on the minus strand). VCF-style: chr16-23626323-G-C. GRCh37 (hg19) VCF-style: chr16-23637644-G-C.
Other names: c.2601C>G, p.Ile867Met (NM_001407296.1); c.2589C>G, p.Ile863Met (NM_001407297.1); c.2661C>G, p.Ile887Met (NM_001407299.1, NM_001407300.1, NM_001407301.1); c.1776C>G, p.Ile592Met (NM_001407304.1, NM_001407305.1, NM_001407306.1 and 4 more transcripts); c.873C>G, p.Ile291Met (NM_001407312.1, NM_001407313.1); c.195C>G, p.Ile65Met (NM_001407314.1); c.2587-2229C>G (NM_001407302.1, NM_001407298.1); c.1702-2229C>G (NM_001407307.1); short protein forms I65M, I867M, I291M, I592M, I863M, I887M.
Identifiers: ClinVar variation 2587408 (VCV002587408.2), dbSNP rs180177120, ClinGen allele CA395122085.
Genomic context (GRCh38, chr16:23,626,323, plus strand): 5'-TTCCCACTGCCAAGCATCCAGAGCTTTCCAAAGAGAAACTACATCTTCGCAAGCAGTTAT[G>C]ATACATGGCTCTTTACAACCGGCTCTTTCCCAAAACATGGCACTCACATCTACGGAACAG-3'
Protein context (NP_078951.2, residues 877-897): WERAGCKEPC[Ile887Met]ITACEDVVSL